The following is an entry in ClinVar:

NM_003737.4(DCHS1):c.3152G>A (p.Ser1051Asn)

Gene: DCHS1 (dachsous cadherin-related 1; minus strand). Cytogenetic location: 11p15.4.
Variant type: single nucleotide variant.
Coding change: c.3152G>A on transcript NM_003737.4 (MANE Select); coding-DNA position 3152, G replaced by A.
Protein change: p.Ser1051Asn; replaces serine 1051 with asparagine.
Molecular consequence: missense variant.
Genome position (GRCh38, 1-based): chr11:6,632,360, C>T on the plus strand (G>A on the coding strand, the complement: DCHS1 is on the minus strand). VCF-style: chr11-6632360-C-T. GRCh37 (hg19) VCF-style: chr11-6653591-C-T.
Other names: short protein forms S1051N.
Identifiers: ClinVar variation 2981153 (VCV002981153.3), dbSNP rs761445894, ClinGen allele CA5860598.

ClinVar aggregate classification (germline): Uncertain significance (1 of 4 stars; one submission).

Allele frequency attached by ClinVar (database versions not stated): gnomAD exomes 0.00002; gnomAD 0.00006; TOPMed below 0.00001; ExAC 0.00007.
gnomAD v4.1: 45 of 1,613,838 alleles (0.0028%); highest among the groups gnomAD compares: Non-Finnish European, 0.00042%; no homozygotes.

Submission:

Labcorp Genetics (formerly Invitae), Labcorp
Classification: Uncertain significance. Last evaluated: 2025-04-03. Review status: criteria provided, single submitter. Criteria: Invitae Variant Classification Sherloc (09022015). Collection method: clinical testing. Allele origin: germline.
Comment: This sequence change replaces serine, which is neutral and polar, with asparagine, which is neutral and polar, at codon 1051 of the DCHS1 protein (p.Ser1051Asn). This variant is present in population databases (rs761445894, gnomAD 0.04%). This variant has not been reported in the literature in individuals affected with DCHS1-related conditions. ClinVar contains an entry for this variant (Variation ID: 2981153). Invitae Evidence Modeling of protein sequence and biophysical properties (such as structural, functional, and spatial information, amino acid conservation, physicochemical variation, residue mobility, and thermodynamic stability) indicates that this missense variant is not expected to disrupt DCHS1 protein function with a negative predictive value of 80%. In summary, the available evidence is currently insufficient to determine the role of this variant in disease. Therefore, it has been classified as a Variant of Uncertain Significance.